The following is an entry in ClinVar:

NM_000455.5(STK11):c.1186G>A (p.Glu396Lys)

Gene: STK11 (serine/threonine kinase 11; plus strand). Cytogenetic location: 19p13.3.
Variant type: single nucleotide variant.
Coding change: c.1186G>A on transcript NM_000455.5 (MANE Select); coding-DNA position 1186, G replaced by A.
Protein change: p.Glu396Lys; replaces glutamic acid 396 with lysine.
Molecular consequence: missense variant.
Genome position (GRCh38, 1-based): chr19:1,226,531, G>A. VCF-style: chr19-1226531-G-A. GRCh37 (hg19) VCF-style: chr19-1226530-G-A.
Other names: short protein forms E396K.
Identifiers: ClinVar variation 2070917 (VCV002070917.4), dbSNP rs763314442, ClinGen allele CA402953595.

ClinVar aggregate classification (germline): Uncertain significance (1 of 4 stars; one submission).

Conditions:
Peutz-Jeghers syndrome (PJS). Also called: Peutz-Jeghers polyposis; Periorificial lentiginosis syndrome; POLYPOSIS, HAMARTOMATOUS INTESTINAL; POLYPS-AND-SPOTS SYNDROME. Identifiers: Orphanet 2869, MedGen C0031269, MeSH D010580, MONDO:0008280, OMIM 175200.

Submission:

Labcorp Genetics (formerly Invitae), Labcorp
Classification: Uncertain significance for Peutz-Jeghers syndrome. Last evaluated: 2022-01-02. Review status: criteria provided, single submitter. Criteria: Invitae Variant Classification Sherloc (09022015). Collection method: clinical testing. Allele origin: germline.
Comment: This variant is not present in population databases (gnomAD no frequency). This sequence change replaces glutamic acid, which is acidic and polar, with lysine, which is basic and polar, at codon 396 of the STK11 protein (p.Glu396Lys). In summary, the available evidence is currently insufficient to determine the role of this variant in disease. Therefore, it has been classified as a Variant of Uncertain Significance. Advanced modeling of protein sequence and biophysical properties (such as structural, functional, and spatial information, amino acid conservation, physicochemical variation, residue mobility, and thermodynamic stability) performed at Invitae indicates that this missense variant is not expected to disrupt STK11 protein function. This variant has not been reported in the literature in individuals affected with STK11-related conditions.